The following is an entry in ClinVar:

NM_001458.5(FLNC):c.1512_1525del (p.Gly505fs)

Gene: FLNC (filamin C; plus strand). Cytogenetic location: 7q32.1.
Variant type: Deletion.
Coding change: c.1512_1525del on transcript NM_001458.5 (MANE Select); coding-DNA positions 1512 to 1525, 14 bases deleted (CGGCAGCGGGGAGC).
Protein change: p.Gly505fs; shifts the reading frame from glycine 505.
Molecular consequence: frameshift variant.
Genome position (GRCh38, 1-based): chr7:128,840,123-128,840,136, CGGCAGCGGGGAGC deleted; deleting any 14 consecutive bases within chr7:128,840,121-128,840,136 gives the same sequence; the c. name uses the placement nearest the transcript's 3' end. VCF-style (leftmost placement, unchanged base first): chr7-128840120-TGCCGGCAGCGGGGA-T. GRCh37 (hg19) VCF-style: chr7-128480174-TGCCGGCAGCGGGGA-T.
Other names: c.1512_1525del, p.Gly505fs (NM_001127487.2); short protein forms G505fs.
Identifiers: ClinVar variation 4852657 (VCV004852657.2).

ClinVar aggregate classification (germline): Likely pathogenic (1 of 4 stars; one submission).

Submission:

Dasa
Classification: Likely pathogenic. Last evaluated: 2025-11-22. Review status: criteria provided, single submitter. Criteria: DASA Assertion Criteria. Collection method: clinical testing. Allele origin: germline.
Comment: NM_001458.5(FLNC):c.1512_1525del (p.Gly505Glnfs*53) is a frameshift variant in FLNC predicted to alter the reading frame and introduce a premature termination codon and is predicted to result in an absent or altered protein product. Loss of function is an established disease mechanism for FLNC (PMID: 28008423; PMID: 27908349; PMID: 28436997). Also, this variant is absent from population databases. Based on the currently available evidence, this variant is classified as likely pathogenic.

Literature cited by the submitters: PubMed 28008423; PubMed 27908349; PubMed 28436997.